The following is an entry in ClinVar:

ClinVar aggregate classification (germline): Benign (1 of 4 stars; one submission).

Conditions:
Juvenile polyposis/hereditary hemorrhagic telangiectasia syndrome (JPHT). Also called: JP/HHT SYNDROME; JUVENILE POLYPOSIS WITH HEREDITARY HEMORRHAGIC TELANGIECTASIA; POLYPOSIS, GENERALIZED JUVENILE, WITH PULMONARY ARTERIOVENOUS MALFORMATION; TELANGIECTASIA, HEREDITARY HEMORRHAGIC, WITH JUVENILE POLYPOSIS COLI; Juvenile Polyposis Syndrome / Hereditary Hemorrhagic Telangiectasia (JPS/HHT). Identifiers: Orphanet 2929, MedGen C1832942, MONDO:0008278, OMIM 175050.

Submission:

Myriad Genetics, Inc.
Classification: Benign for Juvenile polyposis/hereditary hemorrhagic telangiectasia syndrome. Last evaluated: 2025-03-24. Review status: criteria provided, single submitter. Criteria: Myriad Autosomal Dominant, Autosomal Recessive and X-Linked Classification Criteria (2023). Collection method: clinical testing. Allele origin: unknown.
Comment: This variant is considered benign. This variant occurs in the non-coding 3' untranslated region of the gene, and is not expected to impact protein function.

NM_005359.6(SMAD4):c.*5T>G

Gene: SMAD4 (SMAD family member 4; plus strand). Cytogenetic location: 18q21.2.
Variant type: single nucleotide variant.
Coding change: c.*5T>G on transcript NM_005359.6 (MANE Select); 5 bases downstream of the stop codon, T replaced by G.
Molecular consequence: 3 prime UTR variant. On other transcripts: non-coding transcript variant (1).
Genome position (GRCh38, 1-based): chr18:51,078,472, T>G. VCF-style: chr18-51078472-T-G. GRCh37 (hg19) VCF-style: chr18-48604842-T-G.
Other names: c.*5T>G (NM_001407041.1, NM_001407042.1).
Identifiers: ClinVar variation 3903921 (VCV003903921.1).
Genomic context (GRCh38, chr18:51,078,472, plus strand): 5'-TCCTAGACGAAGTACTTCATACCATGCCGATTGCAGACCCACAACCTTTAGACTGAGGTC[T>G]TTTACCGTTGGGGCCCTTAACCTTATCAGGATGGTGGACTACAAAATACAATCCTGTTTA-3'